The following is an entry in ClinVar:

NM_152703.5(SAMD9L):c.3433A>C (p.Thr1145Pro)

Gene: SAMD9L (sterile alpha motif domain containing 9 like; minus strand). Cytogenetic location: 7q21.2.
Variant type: single nucleotide variant.
Coding change: c.3433A>C on transcript NM_152703.5 (MANE Select); coding-DNA position 3433, A replaced by C.
Protein change: p.Thr1145Pro; replaces threonine 1145 with proline.
Molecular consequence: missense variant.
Genome position (GRCh38, 1-based): chr7:93,132,539, T>G on the plus strand (A>C on the coding strand, the complement: SAMD9L is on the minus strand). VCF-style: chr7-93132539-T-G. GRCh37 (hg19) VCF-style: chr7-92761852-T-G.
Other names: c.3433A>C, p.Thr1145Pro (NM_001303496.3, NM_001303497.3, NM_001303498.3 and 5 more transcripts); c.3433A>C (NM_152703.2); short protein forms T1145P.
Identifiers: ClinVar variation 1416972 (VCV001416972.7), dbSNP rs2116479245, ClinGen allele CA368182503.

ClinVar aggregate classification (germline): Uncertain significance. Review status: criteria provided, multiple submitters, no conflicts (2 of 4 stars). 2 submissions from 2 submitters: Uncertain significance (2). Last evaluated 2025-07-18.

Conditions:
Inborn genetic diseases. Identifiers: MedGen C0950123, MeSH D030342.

gnomAD v4.1: 1 of 1,613,876 alleles (0.000062%); no homozygotes.

Submissions (2):

Ambry Genetics
Classification: Uncertain significance for Inborn genetic diseases. Last evaluated: 2025-07-18. Review status: criteria provided, single submitter. Criteria: Ambry Variant Classification Scheme 2023. Collection method: clinical testing. Allele origin: germline.
Comment: The p.T1145P variant (also known as c.3433A>C), located in coding exon 1 of the SAMD9L gene, results from an A to C substitution at nucleotide position 3433. The threonine at codon 1145 is replaced by proline, an amino acid with highly similar properties. This amino acid position is conserved. In addition, this alteration is predicted to be tolerated by in silico analysis. Based on the available evidence, the clinical significance of this variant remains unclear.

Labcorp Genetics (formerly Invitae), Labcorp
Classification: Uncertain significance. Last evaluated: 2021-03-26. Review status: criteria provided, single submitter. Criteria: Invitae Variant Classification Sherloc (09022015). Collection method: clinical testing. Allele origin: germline.
Comment: This sequence change replaces threonine with proline at codon 1145 of the SAMD9L protein (p.Thr1145Pro). The threonine residue is moderately conserved and there is a small physicochemical difference between threonine and proline. Algorithms developed to predict the effect of missense changes on protein structure and function are either unavailable or do not agree on the potential impact of this missense change (SIFT: "Not Available"; PolyPhen-2: "Benign"; Align-GVGD: "Not Available"). This variant has not been reported in the literature in individuals with SAMD9L-related conditions. This variant is not present in population databases (ExAC no frequency). In summary, the available evidence is currently insufficient to determine the role of this variant in disease. Therefore, it has been classified as a Variant of Uncertain Significance.